The following is an entry in ClinVar:

ClinVar aggregate classification (germline): Likely benign. Review status: criteria provided, multiple submitters, no conflicts (2 of 4 stars). 2 submissions from 2 submitters: Likely benign (2). Last evaluated 2025-05-21.

Conditions:
Hereditary spastic paraplegia 28. Also called: Spastic paraplegia 28, autosomal recessive. Identifiers: Orphanet 101008, MedGen C1836295, MONDO:0012256, OMIM 609340.

gnomAD v4.1: 35 of 1,613,612 alleles (0.0022%); highest among the groups gnomAD compares: Non-Finnish European, 0.0029%; no homozygotes.

Submissions (2):

Labcorp Genetics (formerly Invitae), Labcorp
Classification: Likely benign for Hereditary spastic paraplegia 28. Last evaluated: 2025-05-21. Review status: criteria provided, single submitter. Criteria: Invitae Variant Classification Sherloc (09022015). Collection method: clinical testing. Allele origin: germline.

GeneDx
Classification: Likely benign. Last evaluated: 2017-04-08. Review status: criteria provided, single submitter. Criteria: GeneDx Variant Classification (06012015). Collection method: clinical testing. Allele origin: germline. Affected: yes.
Comment: This variant is considered likely benign or benign based on one or more of the following criteria: it is a conservative change, it occurs at a poorly conserved position in the protein, it is predicted to be benign by multiple in silico algorithms, and/or has population frequency not consistent with disease.

NM_001160148.2(DDHD1):c.1218C>T (p.Thr406=)

Gene: DDHD1 (DDHD domain containing 1; minus strand). Cytogenetic location: 14q22.1.
Variant type: single nucleotide variant.
Coding change: c.1218C>T on transcript NM_001160148.2 (MANE Select); coding-DNA position 1218, C replaced by T.
Protein change: p.Thr406=; no amino-acid change (threonine 406 retained).
Molecular consequence: synonymous variant.
Genome position (GRCh38, 1-based): chr14:53,091,856, G>A on the plus strand (C>T on the coding strand, the complement: DDHD1 is on the minus strand). VCF-style: chr14-53091856-G-A. GRCh37 (hg19) VCF-style: chr14-53558574-G-A.
Other names: c.1239C>T, p.Thr413= (NM_001160147.2); c.1218C>T, p.Thr406= (NM_030637.3).
Identifiers: ClinVar variation 508754 (VCV000508754.2), dbSNP rs567478837, ClinGen allele CA260991007.
Genomic context (GRCh38, chr14:53,091,856, plus strand): 5'-TTTGATAATTCTTCCTTGGTCCATTTTCTGCCCAATGCCATGCACAACAAATACAATATG[G>A]GTAGTCTGTGATGGCTTGTCTTCTAATGTGGCTTCTTCTACATAACCTCTATGAAGTCTG-3'
Protein context (NP_001153620.1, residues 396-416): ATLEDKPSQT[Thr406=]HIVFVVHGIG